The following is an entry in ClinVar:

ClinVar aggregate classification (germline): Uncertain significance (1 of 4 stars; one submission).

Submission:

Labcorp Genetics (formerly Invitae), Labcorp
Classification: Uncertain significance. Last evaluated: 2025-09-22. Review status: criteria provided, single submitter. Criteria: Invitae Variant Classification Sherloc (09022015). Collection method: clinical testing. Allele origin: germline.
Comment: This variant, c.290_295dup, results in the insertion of 2 amino acid(s) of the IRF2BP2 protein (p.Gln97_Gln98dup), but otherwise preserves the integrity of the reading frame. This variant is present in population databases (no rsID available, gnomAD 0.02%). This variant has not been reported in the literature in individuals affected with IRF2BP2-related conditions. Experimental studies and prediction algorithms are not available or were not evaluated, and the functional significance of this variant is currently unknown. In summary, the available evidence is currently insufficient to determine the role of this variant in disease. Therefore, it has been classified as a Variant of Uncertain Significance.

NM_182972.3(IRF2BP2):c.281AGC[7] (p.Gln97_Gln98dup)

Genes: IRF2BP2 (interferon regulatory factor 2 binding protein 2; minus strand), LOC129932812 (ATAC-STARR-seq lymphoblastoid silent region 1977; plus strand). Cytogenetic location: 1q42.3.
Variant type: Microsatellite.
Coding change: c.281AGC[7] on transcript NM_182972.3 (MANE Select); seven copies in a row of the 3-base unit AGC starting at c.281; the reference has five copies in a row; two copies, 6 bases duplicated.
Protein change: p.Gln97_Gln98dup.
Molecular consequence: inframe insertion.
Genome position (GRCh38, 1-based): chr1:234,609,200-234,609,205, GCTGCT duplicated on the plus strand (AGCAGC on the coding strand, the reverse complement: IRF2BP2 is on the minus strand); duplicating any 6 consecutive bases within chr1:234,609,200-234,609,216 gives the same sequence; the position shown is the placement nearest the transcript's 3' end. VCF-style (leftmost placement, unchanged base first): chr1-234609199-A-AGCTGCT. GRCh37 (hg19) VCF-style: chr1-234744945-A-AGCTGCT.
Other names: c.281AGC[7], p.Gln97_Gln98dup (NM_001077397.1).
Identifiers: ClinVar variation 1400498 (VCV001400498.6), dbSNP rs371994015, ClinGen allele CA424050200.